The following is an entry in ClinVar:

ClinVar aggregate classification (germline): Uncertain significance (1 of 4 stars; one submission).

Allele frequency attached by ClinVar (database versions not stated): gnomAD exomes 0.00001 and 0.00003; TOPMed 0.00003; ExAC 0.00001; gnomAD 0.00003.
gnomAD v4.1: 43 of 1,604,036 alleles (0.0027%); highest among the groups gnomAD compares: Non-Finnish European, 0.0035%; no homozygotes.

Submission:

Labcorp Genetics (formerly Invitae), Labcorp
Classification: Uncertain significance. Last evaluated: 2022-08-16. Review status: criteria provided, single submitter. Criteria: Invitae Variant Classification Sherloc (09022015). Collection method: clinical testing. Allele origin: germline.
Comment: ClinVar contains an entry for this variant (Variation ID: 846362). This variant has not been reported in the literature in individuals affected with CNGB1-related conditions. This variant is present in population databases (rs771283959, gnomAD 0.003%). This sequence change replaces aspartic acid, which is acidic and polar, with asparagine, which is neutral and polar, at codon 548 of the CNGB1 protein (p.Asp548Asn). Algorithms developed to predict the effect of missense changes on protein structure and function (SIFT, PolyPhen-2, Align-GVGD) all suggest that this variant is likely to be tolerated. In summary, the available evidence is currently insufficient to determine the role of this variant in disease. Therefore, it has been classified as a Variant of Uncertain Significance.

NM_001297.5(CNGB1):c.1642G>A (p.Asp548Asn)

Gene: CNGB1 (cyclic nucleotide gated channel subunit beta 1; minus strand). Cytogenetic location: 16q21.
Variant type: single nucleotide variant.
Coding change: c.1642G>A on transcript NM_001297.5 (MANE Select); coding-DNA position 1642, G replaced by A.
Protein change: p.Asp548Asn; replaces aspartic acid 548 with asparagine.
Molecular consequence: missense variant.
Genome position (GRCh38, 1-based): chr16:57,923,274, C>T on the plus strand (G>A on the coding strand, the complement: CNGB1 is on the minus strand). VCF-style: chr16-57923274-C-T. GRCh37 (hg19) VCF-style: chr16-57957178-C-T.
Other names: c.1624G>A, p.Asp542Asn (NM_001286130.2); short protein forms D548N, D542N.
Identifiers: ClinVar variation 846362 (VCV000846362.7), dbSNP rs771283959, ClinGen allele CA8083373.